The following is an entry in ClinVar:

ClinVar aggregate classification (germline): Likely pathogenic. Review status: criteria provided, single submitter (1 of 4 stars). 2 submissions from 2 submitters: Likely pathogenic (1). 1 of the submissions does not count toward it. Last evaluated 2016-11-02.

Conditions:
Maple syrup urine disease type 1A (MSUD1A). Also called: MSUD type 1A. Identifiers: MedGen C1855369, MONDO:0023691, OMIM 248600.

Allele frequency attached by ClinVar (database versions not stated): TOPMed 0.00001.
gnomAD v4.1: 1 of 1,603,414 alleles (0.000062%); highest among the groups gnomAD compares: Non-Finnish European, 0.000085%; no homozygotes.

Submissions (2):

GeneDx
Classification: Likely pathogenic. Last evaluated: 2016-11-02. Review status: criteria provided, single submitter. Criteria: GeneDx Variant Classification (06012015). Collection method: clinical testing. Allele origin: germline. Affected: yes.
Comment: The V213F variant has not been published as a pathogenic variant, nor has it been reported as a benign variant to our knowledge. The V213F variant was not observed in approximately 6,500 individuals of European and African American ancestry in the NHLBI Exome Sequencing Project, indicating it is not a common benign variant in these populations. The V213F variant is a semi-conservative amino acid substitution, which may impact secondary protein structure as these residues differ in some properties. This substitution occurs at a position that is conserved across species, and in silico analysis predicts this variant is probably damaging to the protein structure/function. Therefore, this variant is likely pathogenic; however, the possibility that it is benign cannot be excluded.

Counsyl
Classification: Uncertain significance for Maple syrup urine disease type 1A. Last evaluated: 2018-02-21. Review status: no assertion criteria provided. Collection method: clinical testing. Allele origin: unknown. Not counted in ClinVar's aggregate classification.

NM_183050.4(BCKDHB):c.637G>T (p.Val213Phe)

Gene: BCKDHB (branched chain keto acid dehydrogenase E1 subunit beta; plus strand). Cytogenetic location: 6q14.1.
Variant type: single nucleotide variant.
Coding change: c.637G>T on transcript NM_183050.4 (MANE Select); coding-DNA position 637, G replaced by T.
Protein change: p.Val213Phe; replaces valine 213 with phenylalanine.
Molecular consequence: missense variant. On other transcripts: non-coding transcript variant (1).
Genome position (GRCh38, 1-based): chr6:80,171,285, G>T. VCF-style: chr6-80171285-G-T. GRCh37 (hg19) VCF-style: chr6-80881002-G-T.
Other names: c.637G>T, p.Val213Phe (NM_000056.5); c.427G>T, p.Val143Phe (NM_001318975.1); short protein forms V213F, V143F.
Identifiers: ClinVar variation 390609 (VCV000390609.4), dbSNP rs994415333, ClinGen allele CA16604994.